The following is an entry in ClinVar:

NM_006767.4(LZTR1):c.1230_1231del (p.Ile411fs)

Gene: LZTR1 (leucine zipper like post translational regulator 1; plus strand). Cytogenetic location: 22q11.21.
Variant type: Deletion.
Coding change: c.1230_1231del on transcript NM_006767.4 (MANE Select); coding-DNA positions 1230 to 1231, 2 bases deleted (CA; older notation c.1230_1231delCA).
Protein change: p.Ile411fs; shifts the reading frame from isoleucine 411.
Molecular consequence: frameshift variant.
Genome position (GRCh38, 1-based): chr22:20,992,874-20,992,875, CA deleted; deleting any 2 consecutive bases within chr22:20,992,873-20,992,875 gives the same sequence; the c. name uses the placement nearest the transcript's 3' end. VCF-style (leftmost placement, unchanged base first): chr22-20992872-AAC-A. GRCh37 (hg19) VCF-style: chr22-21347161-AAC-A.
Other names: short protein forms I411fs.
Identifiers: ClinVar variation 3541733 (VCV003541733.1).

ClinVar aggregate classification (germline): Pathogenic (1 of 4 stars; one submission).

Conditions:
Hereditary cancer-predisposing syndrome. Also called: Hereditary Cancer Syndrome; Hereditary neoplastic syndrome; Tumor predisposition; Neoplastic Syndromes, Hereditary. Identifiers: Orphanet 140162, MedGen C0027672, MeSH D009386, MONDO:0015356.
Cardiovascular phenotype. Identifiers: MedGen CN230736.

Submission:

Ambry Genetics
Classification: Pathogenic for Cardiovascular phenotype; Hereditary cancer-predisposing syndrome. Last evaluated: 2024-10-30. Review status: criteria provided, single submitter. Criteria: Ambry Variant Classification Scheme 2023. Collection method: clinical testing. Allele origin: germline.
Comment: The c.1230_1231delCA (p.I411Pfs*15) alteration, located in exon 11 (coding exon 11) of the LZTR1 gene, consists of a deletion of 2 nucleotides from position 1230 to 1231, causing a translational frameshift with a predicted alternate stop codon after 15 amino acids. This alteration is expected to result in loss of function by premature protein truncation or nonsense-mediated mRNA decay. for autosomal dominant LZTR1-related schwannomatosis or autosomal recessive Noonan syndrome; however, its clinical significance for autosomal dominant Noonan syndrome is uncertain. This variant was not reported in population-based cohorts in the Genome Aggregation Database (gnomAD). Based on the available evidence, this alteration is classified as pathogenic.